The following is an entry in ClinVar:

ClinVar aggregate classification (germline): Conflicting classifications of pathogenicity. Review status: criteria provided, conflicting classifications (1 of 4 stars). 4 submissions from 4 submitters: Uncertain significance (3); Likely benign (1). Last evaluated 2024-09-09.

Conditions:
Inborn genetic diseases. Identifiers: MedGen C0950123, MeSH D030342.
Pontocerebellar hypoplasia type 3 (PCH3). Also called: PCH WITH OPTIC ATROPHY; CEREBELLAR ATROPHY WITH PROGRESSIVE MICROCEPHALY. Identifiers: Orphanet 97249, MedGen C1842687, MONDO:0011948, OMIM 608027.

Allele frequency attached by ClinVar (database versions not stated): gnomAD 0.00003; gnomAD exomes 0.00006 and 0.00021; 1000 Genomes Project 30x 0.00016; 1000 Genomes Project 0.00020; ExAC 0.00027.
gnomAD v4.1: 105 of 1,613,770 alleles (0.0065%); highest among the groups gnomAD compares: South Asian, 0.1%; 2 homozygotes.

Submissions (4):

Women's Health and Genetics/Laboratory Corporation of America, LabCorp
Classification: Uncertain significance. Last evaluated: 2024-09-09. Review status: criteria provided, single submitter. Criteria: LabCorp Variant Classification Summary - May 2015. Collection method: clinical testing. Allele origin: germline.
Comment: Variant summary: PCLO c.7585A>G (p.Ile2529Val) results in a conservative amino acid change in the encoded protein sequence. Five of five in-silico tools predict a benign effect of the variant on protein function. The variant allele was found at a frequency of 0.00021 in 248524 control chromosomes in the gnomAD database, including 1 homozygotes. This frequency is not significantly higher than estimated for a pathogenic variant in PCLO causing Pontocerebellar Hypoplasia Type 3, allowing no conclusion about variant significance. To our knowledge, no occurrence of c.7585A>G in individuals affected with Pontocerebellar Hypoplasia Type 3 and no experimental evidence demonstrating its impact on protein function have been reported. ClinVar contains an entry for this variant (Variation ID: 1448156). Based on the evidence outlined above, the variant was classified as uncertain significance.

Labcorp Genetics (formerly Invitae), Labcorp
Classification: Uncertain significance. Last evaluated: 2024-03-04. Review status: criteria provided, single submitter. Criteria: Invitae Variant Classification Sherloc (09022015). Collection method: clinical testing. Allele origin: germline.
Comment: This sequence change replaces isoleucine, which is neutral and non-polar, with valine, which is neutral and non-polar, at codon 2529 of the PCLO protein (p.Ile2529Val). This variant is present in population databases (rs574590559, gnomAD 0.2%). This variant has not been reported in the literature in individuals affected with PCLO-related conditions. ClinVar contains an entry for this variant (Variation ID: 1448156). Experimental studies and prediction algorithms are not available or were not evaluated, and the functional significance of this variant is currently unknown. In summary, the available evidence is currently insufficient to determine the role of this variant in disease. Therefore, it has been classified as a Variant of Uncertain Significance.

Neuberg Centre For Genomic Medicine, NCGM
Classification: Uncertain significance for Pontocerebellar hypoplasia type 3. Last evaluated: 2023-05-20. Review status: criteria provided, single submitter. Criteria: ACMG Guidelines, 2015. Collection method: clinical testing. Allele origin: germline. Inheritance: Autosomal recessive inheritance. Affected: yes.
Comment: The observed missense variant c.7585A>G(p.Ile2529Val) in PCLO gene has not been reported previously as a pathogenic variant nor as a benign variant, to our knowledge. This variant is reported with the allele frequency 0.02% in the gnomAD Exomes. This variant has been reported to the ClinVar database as Uncertain Significance. However, no details are available for independent assessment. The amino acid Isoleucine at position 2529 is changed to a Valine changing protein sequence and it might alter its composition and physico-chemical properties. The residue is conserved by GERP++ and PhyloP across 100 vertebrates. For these reasons, this variant has been classified as Uncertain Significance.

Ambry Genetics
Classification: Likely benign for Inborn genetic diseases. Last evaluated: 2023-05-03. Review status: criteria provided, single submitter. Criteria: Ambry Variant Classification Scheme 2023. Collection method: clinical testing. Allele origin: germline.

NM_033026.6(PCLO):c.7585A>G (p.Ile2529Val)

Gene: PCLO (piccolo presynaptic cytomatrix protein; minus strand). Cytogenetic location: 7q21.11.
Variant type: single nucleotide variant.
Coding change: c.7585A>G on transcript NM_033026.6 (MANE Select); coding-DNA position 7585, A replaced by G.
Protein change: p.Ile2529Val; replaces isoleucine 2529 with valine.
Molecular consequence: missense variant.
Genome position (GRCh38, 1-based): chr7:82,953,368, T>C on the plus strand (A>G on the coding strand, the complement: PCLO is on the minus strand). VCF-style: chr7-82953368-T-C. GRCh37 (hg19) VCF-style: chr7-82582684-T-C.
Other names: c.7585A>G, p.Ile2529Val (NM_014510.3); c.7585A>G (NM_033026.5); short protein forms I2529V.
Identifiers: ClinVar variation 1448156 (VCV001448156.10), dbSNP rs574590559, ClinGen allele CA4320278.